The following is an entry in ClinVar:

NM_001292063.2(OTOG):c.6075G>A (p.Ala2025=)

Gene: OTOG (otogelin; plus strand). Cytogenetic location: 11p15.1.
Variant type: single nucleotide variant.
Coding change: c.6075G>A on transcript NM_001292063.2 (MANE Select); coding-DNA position 6075, G replaced by A.
Protein change: p.Ala2025=; no amino-acid change (alanine 2025 retained).
Molecular consequence: synonymous variant.
Genome position (GRCh38, 1-based): chr11:17,611,375, G>A. VCF-style: chr11-17611375-G-A. GRCh37 (hg19) VCF-style: chr11-17632922-G-A.
Other names: c.6111G>A, p.Ala2037= (NM_001277269.2).
Identifiers: ClinVar variation 2970804 (VCV002970804.17), dbSNP rs562628744, ClinGen allele CA5905981.

ClinVar aggregate classification (germline): Likely benign. Review status: criteria provided, multiple submitters, no conflicts (2 of 4 stars). 3 submissions from 3 submitters: Likely benign (3). Last evaluated 2024-12-01.

Allele frequency attached by ClinVar (database versions not stated): gnomAD exomes 0.00002; gnomAD 0.00005; TOPMed 0.00008; ExAC 0.00015; 1000 Genomes Project 0.00020; 1000 Genomes Project 30x 0.00031.
gnomAD v4.1: 35 of 1,543,388 alleles (0.0023%); highest among the groups gnomAD compares: Admixed American, 0.034%; no homozygotes.

Submissions (3):

CeGaT Center for Human Genetics Tuebingen
Classification: Likely benign. Last evaluated: 2024-12-01. Review status: criteria provided, single submitter. Criteria: CeGaT Center For Human Genetics Tuebingen Variant Classification Criteria Version 2. Collection method: clinical testing. Allele origin: germline. Affected: yes. Observed: 1 variant allele.
Comment: OTOG: BP4, BP7

Labcorp Genetics (formerly Invitae), Labcorp
Classification: Likely benign. Last evaluated: 2023-08-07. Review status: criteria provided, single submitter. Criteria: Invitae Variant Classification Sherloc (09022015). Collection method: clinical testing. Allele origin: germline.

Blueprint Genetics
Classification: Likely benign. Last evaluated: 2023-06-16. Review status: criteria provided, single submitter. Criteria: ACMG Guidelines, 2015. Collection method: clinical testing. Allele origin: germline.